The following is an entry in ClinVar:

ClinVar aggregate classification (germline): Uncertain significance (1 of 4 stars; one submission).

Conditions:
Congenital hypothalamic hamartoma syndrome. Also called: PALLISTER-HALL-LIKE SYNDROME. Identifiers: MedGen C5435677, MONDO:0009436, OMIM 241800.

Submission:

Clinical Genomics Laboratory, Washington University in St. Louis
Classification: Uncertain significance for Congenital hypothalamic hamartoma syndrome. Last evaluated: 2023-09-22. Review status: criteria provided, single submitter. Criteria: ACMG Guidelines, 2015. Collection method: clinical testing. Allele origin: germline.
Comment: The SMO c.173C>T (p.Pro58Leu) variant was identified at a near heterozygous allelic fraction. This variant, to our knowledge, has not been reported in the medical literature. This variant is absent from the general population (gnomAD v.3.1.2), indicating that it is not a common variant. Computational predictors are uncertain as to the impact of this variant on SMO function. Due to limited information and based on ACMG/AMP guidelines for variant interpretation (Richards S et al., PMID: 25741868), the clinical significance of this variant is uncertain at this time.

NM_005631.5(SMO):c.173C>T (p.Pro58Leu)

Genes: SMO (smoothened, frizzled class receptor; plus strand), LOC129999303 (ATAC-STARR-seq lymphoblastoid silent region 18626; plus strand). Cytogenetic location: 7q32.1.
Variant type: single nucleotide variant.
Coding change: c.173C>T on transcript NM_005631.5 (MANE Select); coding-DNA position 173, C replaced by T.
Protein change: p.Pro58Leu; replaces proline 58 with leucine.
Molecular consequence: missense variant.
Genome position (GRCh38, 1-based): chr7:129,189,324, C>T. VCF-style: chr7-129189324-C-T. GRCh37 (hg19) VCF-style: chr7-128829165-C-T.
Other names: short protein forms P58L.
Identifiers: ClinVar variation 2672141 (VCV002672141.1), dbSNP rs1793446643, ClinGen allele CA369235703.